The following is an entry in ClinVar:

ClinVar aggregate classification (germline): Conflicting classifications of pathogenicity. Review status: criteria provided, conflicting classifications (1 of 4 stars). 4 submissions from 4 submitters: Uncertain significance (3); Likely benign (1). Last evaluated 2023-03-23.

Conditions:
Hereditary cancer-predisposing syndrome. Also called: Hereditary neoplastic syndrome; Neoplastic Syndromes, Hereditary; Tumor predisposition; Hereditary Cancer Syndrome. Identifiers: Orphanet 140162, MedGen C0027672, MeSH D009386, MONDO:0015356.
Hereditary breast ovarian cancer syndrome. Also called: Breast and ovarian cancer; Hereditary breast and ovarian cancer syndrome (HBOC); Hereditary breast and/or ovarian cancer syndrome; Hereditary breast and ovarian cancer; Hereditary breast and ovarian cancer syndrome; BRCA1- and BRCA2-Associated Hereditary Breast and Ovarian Cancer. Identifiers: Orphanet 145, MedGen C0677776, MeSH D061325, MONDO:0003582. Disease mechanism: loss of function.
Breast-ovarian cancer, familial, susceptibility to, 2 (BROVCA2). Also called: BRCA2 Hereditary Breast and Ovarian Cancer. Identifiers: Orphanet 145, MedGen C2675520, MONDO:0012933, OMIM 612555. Disease mechanism: loss of function.

Submissions (4):

University of Washington Department of Laboratory Medicine, University of Washington
Classification: Likely benign for Hereditary cancer-predisposing syndrome. Last evaluated: 2023-03-23. Review status: criteria provided, single submitter. Criteria: Dines et al. (Genet Med. 2020). Collection method: curation. Allele origin: germline.
Comment: Missense variant in a coldspot region where missense variants are very unlikely to be pathogenic (PMID:31911673).

BRCA2 exon 11 coldspot. Reclassification based on statistical prior probability.

Labcorp Genetics (formerly Invitae), Labcorp
Classification: Uncertain significance for Hereditary breast ovarian cancer syndrome. Last evaluated: 2020-07-09. Review status: criteria provided, single submitter. Criteria: Invitae Variant Classification Sherloc (09022015). Collection method: clinical testing. Allele origin: germline.
Comment: This sequence change replaces valine with phenylalanine at codon 1810 of the BRCA2 protein (p.Val1810Phe). The valine residue is weakly conserved and there is a small physicochemical difference between valine and phenylalanine. This variant is not present in population databases (ExAC no frequency). In summary, the available evidence is currently insufficient to determine the role of this variant in disease. Therefore, it has been classified as a Variant of Uncertain Significance. Algorithms developed to predict the effect of missense changes on protein structure and function are either unavailable or do not agree on the potential impact of this missense change (SIFT: "Tolerated"; PolyPhen-2: "Possibly Damaging"; Align-GVGD: "Class C0"). This variant has been observed in individual(s) with clinical features of hereditary breast and ovarian cancer syndrome (PMID: 22684231).

GeneDx
Classification: Uncertain significance. Last evaluated: 2019-07-26. Review status: criteria provided, single submitter. Criteria: GeneDx Variant Classification Process June 2021. Collection method: clinical testing. Allele origin: germline. Affected: yes.
Comment: Not observed in large population cohorts (Lek et al., 2016); In silico analysis, which includes protein predictors and evolutionary conservation, supports a deleterious effect; This variant is associated with the following publications: (PMID: 28277317, 23697973, 22684231)

University of Science and Technology Houari Boumediene, Laboratory of Molecular and Cellular Biology (LBCM)
Classification: Uncertain significance for Breast-ovarian cancer, familial, susceptibility to, 2. Review status: criteria provided, single submitter. Criteria: ACMG Guidelines, 2015. Collection method: clinical testing. Allele origin: germline. Observed: 1 heterozygote.

Literature cited by the submitters: PubMed 22684231 (cited by Labcorp Genetics (formerly Invitae), Labcorp and University of Science and Technology Houari Boumediene, Laboratory of Molecular and Cellular Biology (LBCM)); PubMed 23697973 (cited by University of Science and Technology Houari Boumediene, Laboratory of Molecular and Cellular Biology (LBCM)).

NM_000059.4(BRCA2):c.5428G>T (p.Val1810Phe)

Gene: BRCA2 (BRCA2 DNA repair associated; plus strand). Cytogenetic location: 13q13.1.
Variant type: single nucleotide variant.
Coding change: c.5428G>T on transcript NM_000059.4 (MANE Select); coding-DNA position 5428, G replaced by T.
Protein change: p.Val1810Phe; replaces valine 1810 with phenylalanine.
Molecular consequence: missense variant.
Genome position (GRCh38, 1-based): chr13:32,339,783, G>T. VCF-style: chr13-32339783-G-T. GRCh37 (hg19) VCF-style: chr13-32913920-G-T.
Other names: short protein forms V1810F.
Identifiers: ClinVar variation 1040103 (VCV001040103.15), dbSNP rs80358766, ClinGen allele CA387785467.